The following is an entry in ClinVar:

ClinVar aggregate classification (germline): Uncertain significance (1 of 4 stars; one submission).

Conditions:
Hereditary cancer-predisposing syndrome. Also called: Hereditary neoplastic syndrome; Neoplastic Syndromes, Hereditary; Tumor predisposition; Hereditary Cancer Syndrome. Identifiers: Orphanet 140162, MedGen C0027672, MeSH D009386, MONDO:0015356.

Submission:

Ambry Genetics
Classification: Uncertain significance for Hereditary cancer-predisposing syndrome. Last evaluated: 2025-07-19. Review status: criteria provided, single submitter. Criteria: Ambry Variant Classification Scheme 2023. Collection method: clinical testing. Allele origin: germline.
Comment: The p.K690I variant (also known as c.2069A>T), located in coding exon 12 of the PMS2 gene, results from an A to T substitution at nucleotide position 2069. The lysine at codon 690 is replaced by isoleucine, an amino acid with dissimilar properties. This amino acid position is conserved. In addition, this alteration is predicted to be deleterious by in silico analysis. Based on the available evidence, the clinical significance of this variant remains unclear.

NM_000535.7(PMS2):c.2069A>T (p.Lys690Ile)

Gene: PMS2 (PMS1 homolog 2, mismatch repair system component; minus strand). Cytogenetic location: 7p22.1.
Variant type: single nucleotide variant.
Coding change: c.2069A>T on transcript NM_000535.7 (MANE Select); coding-DNA position 2069, A replaced by T.
Protein change: p.Lys690Ile; replaces lysine 690 with isoleucine.
Molecular consequence: missense variant. On other transcripts: non-coding transcript variant (1), intron variant (4).
Genome position (GRCh38, 1-based): chr7:5,982,929, T>A on the plus strand (A>T on the coding strand, the complement: PMS2 is on the minus strand). VCF-style: chr7-5982929-T-A. GRCh37 (hg19) VCF-style: chr7-6022560-T-A.
Other names: c.1961A>T, p.Lys654Ile (NM_001406869.1); c.1913A>T, p.Lys638Ile (NM_001406870.1, NM_001322006.2); c.2069A>T, p.Lys690Ile (NM_001406871.1, NM_001322014.2); c.1871A>T, p.Lys624Ile (NM_001406873.1); c.1901A>T, p.Lys634Ile (NM_001406874.1); c.1760A>T, p.Lys587Ile (NM_001406875.1, NM_001406877.1, NM_001406878.1 and 5 more transcripts); c.1751A>T, p.Lys584Ile (NM_001406876.1, NM_001406883.1, NM_001322007.2 and 1 more transcripts); c.1664A>T, p.Lys555Ile (NM_001406889.1, NM_001406890.1, NM_001406891.1 and 14 more transcripts); and 16 more; short protein forms K289I, K433I, K503I, K584I, K690I, K752I, K535I, K578I.
Identifiers: ClinVar variation 4140501 (VCV004140501.1).